The following is an entry in ClinVar:

NM_001374828.1(ARID1B):c.4231+5G>A

Gene: ARID1B (AT-rich interaction domain 1B; plus strand). Cytogenetic location: 6q25.3.
Variant type: single nucleotide variant.
Coding change: c.4231+5G>A on transcript NM_001374828.1 (MANE Select); 5 bases into the intron after coding-DNA position 4231, G replaced by A.
Molecular consequence: intron variant.
Genome position (GRCh38, 1-based): chr6:157,190,215, G>A. VCF-style: chr6-157190215-G-A. GRCh37 (hg19) VCF-style: chr6-157511349-G-A.
Other names: c.4111+5G>A (NM_001371656.1, NM_001374820.1); c.4072+5G>A (NM_017519.3); c.1732+5G>A (NM_001363725.2).
Identifiers: ClinVar variation 3637953 (VCV003637953.2).
Genomic context (GRCh38, chr6:157,190,215, plus strand): 5'-GATGGGCAGGATGCCCTATGAGCCCAACAAGGACCCCTTTGGGGGAATGAGAAAAGGTAC[G>A]TGTAGAGGGGCCTCCACCCGGCCATGGACCAGTGGGCATTCTACTCTCTGCCGTTCCACA-3'

ClinVar aggregate classification (germline): Uncertain significance (1 of 4 stars; one submission).

gnomAD v4.1: 9 of 1,603,792 alleles (0.00056%); highest among the groups gnomAD compares: African/African-American, 0.0027%; no homozygotes.

Submission:

Labcorp Genetics (formerly Invitae), Labcorp
Classification: Uncertain significance. Last evaluated: 2024-02-02. Review status: criteria provided, single submitter. Criteria: Invitae Variant Classification Sherloc (09022015). Collection method: clinical testing. Allele origin: germline.
Comment: This sequence change falls in intron 15 of the ARID1B gene. It does not directly change the encoded amino acid sequence of the ARID1B protein. It affects a nucleotide within the consensus splice site. This variant is present in population databases (rs781645926, gnomAD 0.003%). This variant has not been reported in the literature in individuals affected with ARID1B-related conditions. Variants that disrupt the consensus splice site are a relatively common cause of aberrant splicing (PMID: 17576681, 9536098). Algorithms developed to predict the effect of sequence changes on RNA splicing suggest that this variant is not likely to affect RNA splicing. In summary, the available evidence is currently insufficient to determine the role of this variant in disease. Therefore, it has been classified as a Variant of Uncertain Significance.

Literature cited by the submitters: PubMed 17576681; PubMed 9536098.